The following is an entry in ClinVar:

ClinVar aggregate classification (germline): Conflicting classifications of pathogenicity. Review status: criteria provided, conflicting classifications (1 of 4 stars). 5 submissions from 5 submitters: Uncertain significance (3); Likely benign (1). 1 of the submissions does not count toward it. Last evaluated 2025-06-18.

Conditions:
Hereditary cancer-predisposing syndrome. Also called: Tumor predisposition; Neoplastic Syndromes, Hereditary; Hereditary Cancer Syndrome; Hereditary neoplastic syndrome. Identifiers: Orphanet 140162, MedGen C0027672, MeSH D009386, MONDO:0015356.
Ataxia-telangiectasia syndrome (AT). Also called: LOUIS-BAR SYNDROME; Ataxia-telangiectasia, complementation group D; Ataxia telangiectasia (A-T); AT, COMPLEMENTATION GROUP C; ATAXIA-TELANGIECTASIA, COMPLEMENTATION GROUP A; ATAXIA-TELANGIECTASIA, FRESNO VARIANT. Identifiers: Orphanet 100, MedGen C0004135, MONDO:0008840, OMIM 208900.

Allele frequency attached by ClinVar (database versions not stated): gnomAD exomes below 0.00001; gnomAD 0.00001; TOPMed 0.00002.
gnomAD v4.1: 3 of 1,613,778 alleles (0.00019%); highest among the groups gnomAD compares: Non-Finnish European, 0.00025%; no homozygotes.

Submissions (5):

Labcorp Genetics (formerly Invitae), Labcorp
Classification: Uncertain significance for Ataxia-telangiectasia syndrome. Last evaluated: 2025-06-18. Review status: criteria provided, single submitter. Criteria: Invitae Variant Classification Sherloc (09022015). Collection method: clinical testing. Allele origin: germline.
Comment: This sequence change replaces methionine, which is neutral and non-polar, with isoleucine, which is neutral and non-polar, at codon 557 of the ATM protein (p.Met557Ile). This variant is present in population databases (rs730881341, gnomAD 0.007%). This variant has not been reported in the literature in individuals affected with ATM-related conditions. ClinVar contains an entry for this variant (Variation ID: 181919). Invitae Evidence Modeling of protein sequence and biophysical properties (such as structural, functional, and spatial information, amino acid conservation, physicochemical variation, residue mobility, and thermodynamic stability) indicates that this missense variant is not expected to disrupt ATM protein function with a negative predictive value of 95%. RNA analysis performed to evaluate the impact of this missense change on mRNA splicing indicates it does not significantly alter splicing (internal data). In summary, the available evidence is currently insufficient to determine the role of this variant in disease. Therefore, it has been classified as a Variant of Uncertain Significance.

Ambry Genetics
Classification: Likely benign for Hereditary cancer-predisposing syndrome. Last evaluated: 2024-03-14. Review status: criteria provided, single submitter. Criteria: Ambry Variant Classification Scheme 2023. Collection method: clinical testing. Allele origin: germline.

CeGaT Center for Human Genetics Tuebingen
Classification: Uncertain significance. Last evaluated: 2021-06-01. Review status: criteria provided, single submitter. Criteria: CeGaT Center For Human Genetics Tuebingen Variant Classification Criteria Version 2. Collection method: clinical testing. Allele origin: germline. Affected: yes. Observed: 1 variant allele.

GeneDx
Classification: Uncertain significance. Last evaluated: 2015-10-20. Review status: criteria provided, single submitter. Criteria: GeneDx Variant Classification (06012015). Collection method: clinical testing. Allele origin: germline. Affected: yes.
Comment: This variant is denoted ATM c.1671G>A at the cDNA level, p.Met557Ile (M557I) at the protein level, and results in the change of a Methionine to an Isoleucine (ATG>ATA). This variant has not, to our knowledge, been published in the literature as pathogenic or benign. ATM Met557Ile was not observed in approximately 6,500 individuals of European and African American ancestry in the NHLBI Exome Sequencing Project, indicating it is not a common benign variant in these populations. Since Methionine and Isoleucine share similar properties, this is considered a conservative amino acid substitution. ATM Met557Ile occurs at a position that is not conserved and is not located in a functional domain (UniProt, Tavtigian 2009, Stracker 2013). In silico analyses predict that this variant is unlikely to alter protein structure or function. Based on currently available information, it is unclear whether ATM Met557Ile is pathogenic or benign. We consider it to be a variant of uncertain significance.

Natera, Inc.
Classification: Uncertain significance for Ataxia-telangiectasia. Last evaluated: 2021-05-02. Review status: no assertion criteria provided. Collection method: clinical testing. Allele origin: germline. Not counted in ClinVar's aggregate classification.

NM_000051.4(ATM):c.1671G>A (p.Met557Ile)

Gene: ATM (ATM serine/threonine kinase; plus strand). Cytogenetic location: 11q22.3.
Variant type: single nucleotide variant.
Coding change: c.1671G>A on transcript NM_000051.4 (MANE Select); coding-DNA position 1671, G replaced by A.
Protein change: p.Met557Ile; replaces methionine 557 with isoleucine.
Molecular consequence: missense variant.
Genome position (GRCh38, 1-based): chr11:108,251,900, G>A. VCF-style: chr11-108251900-G-A. GRCh37 (hg19) VCF-style: chr11-108122627-G-A.
Other names: p.M557I:ATG>ATA; c.1671G>A, p.Met557Ile (NM_001351834.2); short protein forms M557I.
Identifiers: ClinVar variation 181919 (VCV000181919.51), dbSNP rs730881341, ClinGen allele CA298141.